The following is an entry in ClinVar:

ClinVar aggregate classification (germline): Uncertain significance (1 of 4 stars; one submission).

Conditions:
Facioscapulohumeral muscular dystrophy 2 (FSHD2). Also called: MUSCULAR DYSTROPHY, FACIOSCAPULOHUMERAL, TYPE 1B; FACIOSCAPULOHUMERAL MUSCULAR DYSTROPHY 2, DIGENIC; FSHD2, DIGENIC. Identifiers: Orphanet 269, MedGen C1834671, MONDO:0008031, OMIM 158901.

Allele frequency attached by ClinVar (database versions not stated): gnomAD exomes below 0.00001; TOPMed 0.00001.
gnomAD v4.1: 1 of 1,594,662 alleles (0.000063%); highest among the groups gnomAD compares: Non-Finnish European, 0.000086%; no homozygotes.

Submission:

Labcorp Genetics (formerly Invitae), Labcorp
Classification: Uncertain significance for Facioscapulohumeral muscular dystrophy 2. Last evaluated: 2025-02-24. Review status: criteria provided, single submitter. Criteria: Invitae Variant Classification Sherloc (09022015). Collection method: clinical testing. Allele origin: germline.
Comment: This sequence change replaces threonine, which is neutral and polar, with alanine, which is neutral and non-polar, at codon 1388 of the SMCHD1 protein (p.Thr1388Ala). This variant is not present in population databases (gnomAD no frequency). This variant has not been reported in the literature in individuals affected with SMCHD1-related conditions. ClinVar contains an entry for this variant (Variation ID: 2732950). Invitae Evidence Modeling of protein sequence and biophysical properties (such as structural, functional, and spatial information, amino acid conservation, physicochemical variation, residue mobility, and thermodynamic stability) indicates that this missense variant is not expected to disrupt SMCHD1 protein function with a negative predictive value of 80%. In summary, the available evidence is currently insufficient to determine the role of this variant in disease. Therefore, it has been classified as a Variant of Uncertain Significance.

NM_015295.3(SMCHD1):c.4162A>G (p.Thr1388Ala)

Gene: SMCHD1 (structural maintenance of chromosomes flexible hinge domain containing 1; plus strand). Cytogenetic location: 18p11.32.
Variant type: single nucleotide variant.
Coding change: c.4162A>G on transcript NM_015295.3 (MANE Select); coding-DNA position 4162, A replaced by G.
Protein change: p.Thr1388Ala; replaces threonine 1388 with alanine.
Molecular consequence: missense variant.
Genome position (GRCh38, 1-based): chr18:2,750,504, A>G. VCF-style: chr18-2750504-A-G. GRCh37 (hg19) VCF-style: chr18-2750502-A-G.
Other names: short protein forms T1388A.
Identifiers: ClinVar variation 2732950 (VCV002732950.3), dbSNP rs2075551293, ClinGen allele CA401692391.